The following is an entry in ClinVar:

NM_003924.4(PHOX2B):c.805C>T (p.Pro269Ser)

Gene: PHOX2B (paired like homeobox 2B; minus strand). Cytogenetic location: 4p13.
Variant type: single nucleotide variant.
Coding change: c.805C>T on transcript NM_003924.4 (MANE Select); coding-DNA position 805, C replaced by T.
Protein change: p.Pro269Ser; replaces proline 269 with serine.
Molecular consequence: missense variant.
Genome position (GRCh38, 1-based): chr4:41,745,947, G>A on the plus strand (C>T on the coding strand, the complement: PHOX2B is on the minus strand). VCF-style: chr4-41745947-G-A. GRCh37 (hg19) VCF-style: chr4-41747964-G-A.
Other names: short protein forms P269S.
Identifiers: ClinVar variation 1761837 (VCV001761837.2), dbSNP rs2552096789, ClinGen allele CA356737108.

ClinVar aggregate classification (germline): Uncertain significance (1 of 4 stars; one submission).

Conditions:
Hereditary cancer-predisposing syndrome. Also called: Neoplastic Syndromes, Hereditary; Tumor predisposition; Hereditary Cancer Syndrome; Hereditary neoplastic syndrome. Identifiers: Orphanet 140162, MedGen C0027672, MeSH D009386, MONDO:0015356.

Submission:

Ambry Genetics
Classification: Uncertain significance for Hereditary cancer-predisposing syndrome. Last evaluated: 2020-11-12. Review status: criteria provided, single submitter. Criteria: Ambry Variant Classification Scheme 2023. Collection method: clinical testing. Allele origin: germline.
Comment: The p.P269S variant (also known as c.805C>T), located in coding exon 3 of the PHOX2B gene, results from a C to T substitution at nucleotide position 805. The proline at codon 269 is replaced by serine, an amino acid with similar properties. This amino acid position is well conserved in available vertebrate species. In addition, this alteration is predicted to be tolerated by in silico analysis. Since supporting evidence is limited at this time, the clinical significance of this alteration remains unclear.